The following is an entry in ClinVar:

NM_000091.5(COL4A3):c.2524G>A (p.Gly842Arg)

Genes: MFF-DT (MFF divergent transcript; minus strand), COL4A3 (collagen type IV alpha 3 chain; plus strand). Cytogenetic location: 2q36.3.
Variant type: single nucleotide variant.
Coding change: c.2524G>A on transcript NM_000091.5 (MANE Select); coding-DNA position 2524, G replaced by A.
Protein change: p.Gly842Arg; replaces glycine 842 with arginine.
Molecular consequence: missense variant.
Genome position (GRCh38, 1-based): chr2:227,282,400, G>A. VCF-style: chr2-227282400-G-A. GRCh37 (hg19) VCF-style: chr2-228147116-G-A.
Other names: short protein forms G842R.
Identifiers: ClinVar variation 4817226 (VCV004817226.1).

ClinVar aggregate classification (germline): Likely pathogenic (1 of 4 stars; one submission).

Conditions:
Alport syndrome. Also called: Hemorrhagic familial nephritis; Hemorrhagic hereditary nephritis; Congenital hereditary hematuria. Identifiers: Orphanet 63, MedGen C1567741, MONDO:0018965.

Submission:

Natera, Inc.
Classification: Likely pathogenic for Alport syndrome. Last evaluated: 2024-12-12. Review status: criteria provided, single submitter. Criteria: Natera Variant Classification Schema (03/2026). Collection method: clinical testing. Allele origin: germline.
Comment: The c.2524G>A variant in COL4A3 is a missense variant predicted to cause substitution of glycine to arginine at amino acid 842. This variant is rare in the general population with a frequency below the threshold expected for the associated phenotype(s). This variant is located in a functionally critical region of the protein. A different variant at the same position has been determined to be Pathogenic or Likely Pathogenic. Computational prediction algorithms indicate this variant is likely to affect gene or protein function. Given the available evidence, this variant is classified as Likely Pathogenic.